The following is an entry in ClinVar:

ClinVar aggregate classification (germline): Likely pathogenic. Review status: criteria provided, multiple submitters, no conflicts (2 of 4 stars). 2 submissions from 2 submitters: Likely pathogenic (2). Last evaluated 2024-10-28.

Conditions:
Dilated cardiomyopathy 1G (CMD1G). Identifiers: Orphanet 154, MedGen C1858763, MONDO:0011400, OMIM 604145.
Autosomal recessive limb-girdle muscular dystrophy type 2J (LGMDR10). Also called: MUSCULAR DYSTROPHY, LIMB-GIRDLE, AUTOSOMAL RECESSIVE 10; Limb-girdle muscular dystrophy, type 2J. Identifiers: Orphanet 140922, MedGen C1837342, MONDO:0012127, OMIM 608807.

Submissions (2):

Labcorp Genetics (formerly Invitae), Labcorp
Classification: Likely pathogenic for Dilated cardiomyopathy 1G; Autosomal recessive limb-girdle muscular dystrophy type 2J. Last evaluated: 2024-10-28. Review status: criteria provided, single submitter. Criteria: Invitae Variant Classification Sherloc (09022015). Collection method: clinical testing. Allele origin: germline.
Comment: This sequence change creates a premature translational stop signal (p.Lys27578*) in the TTN gene. While this is not anticipated to result in nonsense mediated decay, it is expected to create a truncated TTN protein. This variant is not present in population databases (gnomAD no frequency). This premature translational stop signal has been observed in individual(s) with clinical features of limb-girdle muscular dystrophy (internal data). ClinVar contains an entry for this variant (Variation ID: 594415). This variant is located in the A band of TTN (PMID: 25589632). Truncating variants in this region are significantly overrepresented in patients affected with dilated cardiomyopathy (PMID: 25589632). Truncating variants in this region have also been reported in individuals affected with autosomal recessive centronuclear myopathy (PMID: 23975875). In summary, the currently available evidence indicates that the variant is pathogenic, but additional data are needed to prove that conclusively. Therefore, this variant has been classified as Likely Pathogenic.

Eurofins Ntd Llc (ga)
Classification: Likely pathogenic. Last evaluated: 2017-10-06. Review status: criteria provided, single submitter. Criteria: EGL Classification Definitions 2015. Collection method: clinical testing. Allele origin: germline. Observed: 1 variant allele, 1 heterozygote.

Literature cited by the submitters: PubMed 25589632 (cited by Labcorp Genetics (formerly Invitae), Labcorp); PubMed 23975875 (cited by Labcorp Genetics (formerly Invitae), Labcorp).

NM_001267550.2(TTN):c.82732A>T (p.Lys27578Ter)

Genes: TTN (titin; minus strand), TTN-AS1 (TTN antisense RNA 1; plus strand). Cytogenetic location: 2q31.2.
Variant type: single nucleotide variant.
Coding change: c.82732A>T on transcript NM_001267550.2 (MANE Select); coding-DNA position 82732, A replaced by T.
Protein change: p.Lys27578Ter; replaces lysine 27578 with a stop codon.
Molecular consequence: nonsense.
Genome position (GRCh38, 1-based): chr2:178,563,400, T>A on the plus strand (A>T on the coding strand, the complement: TTN is on the minus strand). VCF-style: chr2-178563400-T-A. GRCh37 (hg19) VCF-style: chr2-179428127-T-A.
Other names: c.77809A>T, p.Lys25937Ter (NM_001256850.1); c.55537A>T, p.Lys18513Ter (NM_003319.4); c.75028A>T, p.Lys25010Ter (NM_133378.4); c.55912A>T, p.Lys18638Ter (NM_133432.3); c.56113A>T, p.Lys18705Ter (NM_133437.4); short protein forms K27578*, K25010*, K18513*, K18638*, K18705*, K25937*.
Identifiers: ClinVar variation 594415 (VCV000594415.8), dbSNP rs368850871, ClinGen allele CA349571891.